The following is an entry in ClinVar:

ClinVar aggregate classification (germline): Likely benign (1 of 4 stars; one submission).

Conditions:
MYH7B-related disorder. Also called: MYH7B-related condition.

gnomAD v4.1: 7 of 1,553,582 alleles (0.00045%); highest among the groups gnomAD compares: Admixed American, 0.0098%; no homozygotes.

Submission:

PreventionGenetics, part of Exact Sciences
Classification: Likely benign for MYH7B-related condition. Last evaluated: 2025-05-29. Review status: criteria provided, single submitter. Criteria: ACMG Guidelines, 2015. Collection method: clinical testing. Allele origin: germline.
Comment: This variant is classified as likely benign based on ACMG/AMP sequence variant interpretation guidelines (Richards et al. 2015 PMID: 25741868, with internal and published modifications).

NM_020884.7(MYH7B):c.3411C>G (p.Ala1137=)

Gene: MYH7B (myosin heavy chain 7B; plus strand). Cytogenetic location: 20q11.22.
Variant type: single nucleotide variant.
Coding change: c.3411C>G on transcript NM_020884.7 (MANE Select); coding-DNA position 3411, C replaced by G.
Protein change: p.Ala1137=; no amino-acid change (alanine 1137 retained).
Molecular consequence: synonymous variant.
Genome position (GRCh38, 1-based): chr20:34,997,304, C>G. VCF-style: chr20-34997304-C-G. GRCh37 (hg19) VCF-style: chr20-33585107-C-G.
Identifiers: ClinVar variation 4983888 (VCV004983888.1).